The following continues an entry in ClinVar:

NM_001048174.2(MUTYH):c.383G>A (p.Trp128Ter)

Gene: MUTYH. ClinVar aggregate classification (germline): Pathogenic/Likely pathogenic. Pathogenic (12); Likely pathogenic (1).

Submissions 10 to 16 of 16:

Fulgent Genetics
Classification: Pathogenic for Familial adenomatous polyposis 2; Gastric cancer. Last evaluated: 2022-05-31. Review status: criteria provided, single submitter. Criteria: ACMG Guidelines, 2015. Collection method: clinical testing. Allele origin: unknown.

Department of Pediatrics, Memorial Sloan Kettering Cancer Center
Classification: Pathogenic for Familial adenomatous polyposis 2. Last evaluated: 2020-12-15. Review status: criteria provided, single submitter. Criteria: ACMG Guidelines, 2015. Collection method: research. Allele origin: germline. Affected: no.

Department of Pathology and Laboratory Medicine, Sinai Health System
Classification: Pathogenic for Familial adenomatous polyposis 2. Last evaluated: 2019-04-01. Review status: criteria provided, single submitter. Criteria: ACMG Guidelines, 2015. Collection method: research. Allele origin: germline.

Juno Genomics, Hangzhou Juno Genomics, Inc
Classification: Likely pathogenic for Familial adenomatous polyposis 2; Gastric cancer. Review status: criteria provided, single submitter. Criteria: ACMG Guidelines, 2015. Collection method: clinical testing. Allele origin: germline.
Comment: Null variant in a gene where loss of function (LOF) is a known mechanism of disease.;Absent from controls (or at extremely low frequency if recessive) in Genome Aggregation Database.

Laboratory for Genotyping Development, RIKEN
Classification: Pathogenic for Gastric cancer. Last evaluated: 2021-07-01. Review status: no assertion criteria provided. Collection method: research. Allele origin: germline. Not counted in ClinVar's aggregate classification.

Counsyl
Classification: Likely pathogenic for Familial adenomatous polyposis 2. Last evaluated: 2015-12-13. Review status: no assertion criteria provided. Collection method: clinical testing. Allele origin: unknown. Not counted in ClinVar's aggregate classification.

Department of Pathology and Laboratory Medicine, Sinai Health System
Classification: Pathogenic for Carcinoma of colon. Review status: no assertion criteria provided. Collection method: clinical testing. Allele origin: unknown. Affected: yes. Observed: 1 variant allele. Study: The Canadian Open Genetics Repository (COGR). Not counted in ClinVar's aggregate classification.
Comment: The MUTYH p.Trp156X variant was not identified in the literature nor was it identified in the NHLBI Exome Sequencing Project (Exome Variant Server), GeneInsight COGR, COSMIC, MutDB, InSiGHT Colon Cancer, Zhejiang Colon Cancer, the ClinVar, Clinvitae and UMD Colon Cancer Genes databases. The variant is listed in the dbSNP database (ID#: rs762307622) but no frequency information was provided, thus the prevalence of this variant in the general population could not be determined. The variant was identified in Exome Aggregation Consortium (ExAC) database (January 13, 2015) in 6 of 121000 alleles (frequency: 0.00005) or 5 of 8628 East Asian and 1 other population alleles and was not found in a population of South Asians, European (Non-Finnish), African, Latino, European (Finnish) and other individuals. The p.Trp156X variant leads to a premature stop codon at position 156, which is predicted to lead to a truncated or absent protein and loss of function. Loss of function variants in the MUTYH gene are an established mechanism of disease in MUTYH-associated polyposis. In summary, based on the above information, this variant meets our laboratoryâ€šÃ„Ã´s criteria to be classified as pathogenic.

Literature cited by the submitters: PubMed 18534194 (cited by Labcorp Genetics (formerly Invitae), Labcorp); PubMed 20663686 (cited by Labcorp Genetics (formerly Invitae), Labcorp); PubMed 25151137 (cited by 5 submitters); PubMed 28127763 (cited by 5 submitters); PubMed 35014770 (cited by Women's Health and Genetics/Laboratory Corporation of America, LabCorp and Quest Diagnostics Nichols Institute San Juan Capistrano); PubMed 30151276 (cited by 3 submitters); PubMed 29625052 (cited by Quest Diagnostics Nichols Institute San Juan Capistrano); PubMed 33230973 (cited by Quest Diagnostics Nichols Institute San Juan Capistrano); PubMed 30886832 (cited by Quest Diagnostics Nichols Institute San Juan Capistrano); PubMed 32980694 (cited by Quest Diagnostics Nichols Institute San Juan Capistrano); PubMed 33471991 (cited by Quest Diagnostics Nichols Institute San Juan Capistrano); PubMed 33939675 (cited by Quest Diagnostics Nichols Institute San Juan Capistrano); PubMed 35273153 (cited by Quest Diagnostics Nichols Institute San Juan Capistrano); PubMed 35070997 (cited by Quest Diagnostics Nichols Institute San Juan Capistrano); PubMed 36655350 (cited by Quest Diagnostics Nichols Institute San Juan Capistrano); PubMed 28873162 (cited by Department of Pediatrics, Memorial Sloan Kettering Cancer Center); PubMed 36988593 (cited by Laboratory for Genotyping Development, RIKEN).